The following is an entry in ClinVar:

NM_000548.5(TSC2):c.4008G>A (p.Ser1336=)

Gene: TSC2 (TSC complex subunit 2; plus strand). Cytogenetic location: 16p13.3.
Variant type: single nucleotide variant.
Coding change: c.4008G>A on transcript NM_000548.5 (MANE Select); coding-DNA position 4008, G replaced by A.
Protein change: p.Ser1336=; no amino-acid change (serine 1336 retained).
Molecular consequence: synonymous variant.
Genome position (GRCh38, 1-based): chr16:2,084,230, G>A. VCF-style: chr16-2084230-G-A. GRCh37 (hg19) VCF-style: chr16-2134231-G-A.
Other names: c.3807G>A, p.Ser1269= (NM_001077183.3); c.3939G>A, p.Ser1313= (NM_001114382.3); c.3699G>A, p.Ser1233= (NM_001318827.2); c.3663G>A, p.Ser1221= (NM_001318829.2); c.3276G>A, p.Ser1092= (NM_001318831.2); c.3840G>A, p.Ser1280= (NM_001318832.2); c.3810G>A, p.Ser1270= (NM_001363528.2); c.3876G>A, p.Ser1292= (NM_001370404.1); and 2 more.
Identifiers: ClinVar variation 468057 (VCV000468057.26), dbSNP rs760704956, ClinGen allele CA050152.

ClinVar aggregate classification (germline): Benign/Likely benign. Review status: criteria provided, multiple submitters, no conflicts (2 of 4 stars). 11 submissions from 11 submitters: Benign (3); Likely benign (7). 1 of the submissions does not count toward it. Last evaluated 2026-01-20.

Conditions:
Tuberous sclerosis 2 (TSC2). Identifiers: Orphanet 805, MedGen C1860707, MONDO:0013199, OMIM 613254.
Hereditary cancer-predisposing syndrome. Also called: Hereditary neoplastic syndrome; Neoplastic Syndromes, Hereditary; Hereditary Cancer Syndrome; Tumor predisposition. Identifiers: Orphanet 140162, MedGen C0027672, MeSH D009386, MONDO:0015356.
Tuberous sclerosis syndrome (TSC). Also called: Tuberous Sclerosis Complex; Tuberous sclerosis. Identifiers: Orphanet 805, MedGen C0041341, MONDO:0001734.
Isolated focal cortical dysplasia type II (FCORD2). Also called: CORTICAL DYSPLASIA OF TAYLOR; Focal cortical dysplasia type II. Identifiers: Orphanet 268994, MedGen C1846385, MONDO:0011818, OMIM 607341, HP:0032051.
Lymphangiomyomatosis (LAM). Also called: Lymphangioleiomyomatosis, somatic; Lymphangioleiomyomatosis. Identifiers: Orphanet 538, MedGen C0751674, MONDO:0011705, OMIM 606690.
TSC2-related disorder. Also called: TSC2-related condition; TSC2-Related Disorders.

Allele frequency attached by ClinVar (database versions not stated): gnomAD exomes 0.00001; ExAC 0.00006; gnomAD 0.00007; TOPMed 0.00012.
gnomAD v4.1: 35 of 1,587,116 alleles (0.0022%); highest among the groups gnomAD compares: Middle Eastern, 0.017%; no homozygotes.

Submissions (11):

Labcorp Genetics (formerly Invitae), Labcorp
Classification: Benign for Tuberous sclerosis 2. Last evaluated: 2026-01-20. Review status: criteria provided, single submitter. Criteria: Invitae Variant Classification Sherloc (09022015). Collection method: clinical testing. Allele origin: germline.

Myriad Genetics, Inc.
Classification: Benign for Tuberous sclerosis 2. Last evaluated: 2025-06-02. Review status: criteria provided, single submitter. Criteria: Myriad Autosomal Dominant, Autosomal Recessive and X-Linked Classification Criteria (2023). Collection method: clinical testing. Allele origin: unknown.
Comment: This variant is considered benign. This variant is a silent/synonymous amino acid change and it is not expected to impact splicing.

Blueprint Genetics
Classification: Likely benign. Last evaluated: 2024-09-05. Review status: criteria provided, single submitter. Criteria: ACMG Guidelines, 2015. Collection method: clinical testing. Allele origin: germline.

All of Us Research Program, National Institutes of Health
Classification: Likely benign for Tuberous sclerosis syndrome. Last evaluated: 2023-11-30. Review status: criteria provided, single submitter. Criteria: ACMG Guidelines, 2015. Collection method: clinical testing. Allele origin: germline. Inheritance: Autosomal dominant inheritance. Observed: 9 variant alleles, 9 heterozygotes.
Comment: This study involves interpretation of variants in research participants for the purpose of population health screening. Participant phenotype was not available at the time of variant classification. Additional details can be found in publication PMID: 35346344, PMCID: PMC8962531

Color Diagnostics, LLC DBA Color Health
Classification: Likely benign for Tuberous sclerosis syndrome. Last evaluated: 2023-04-03. Review status: criteria provided, single submitter. Criteria: ACMG Guidelines, 2015. Collection method: clinical testing. Allele origin: germline.

Fulgent Genetics
Classification: Likely benign for Lymphangiomyomatosis; Isolated focal cortical dysplasia type II; Tuberous sclerosis 2. Last evaluated: 2022-03-16. Review status: criteria provided, single submitter. Criteria: ACMG Guidelines, 2015. Collection method: clinical testing. Allele origin: unknown.

Sema4
Classification: Likely benign for Hereditary cancer-predisposing syndrome. Last evaluated: 2021-12-28. Review status: criteria provided, single submitter. Criteria: Sema4 Curation Guidelines. Collection method: curation. Allele origin: germline.

Genome-Nilou Lab
Classification: Benign for Tuberous sclerosis 2. Last evaluated: 2021-11-07. Review status: criteria provided, single submitter. Criteria: ACMG Guidelines, 2015. Collection method: clinical testing. Allele origin: germline. Affected: no.

GeneDx
Classification: Likely benign. Last evaluated: 2020-10-09. Review status: criteria provided, single submitter. Criteria: GeneDx Variant Classification Process June 2021. Collection method: clinical testing. Allele origin: germline. Affected: yes.

Ambry Genetics
Classification: Likely benign for Hereditary cancer-predisposing syndrome. Last evaluated: 2015-08-14. Review status: criteria provided, single submitter. Criteria: Ambry Variant Classification Scheme 2023. Collection method: clinical testing. Allele origin: germline.

PreventionGenetics, part of Exact Sciences
Classification: Likely benign for TSC2-related condition. Last evaluated: 2022-05-20. Review status: no assertion criteria provided. Collection method: clinical testing. Allele origin: germline. Not counted in ClinVar's aggregate classification.
Comment: This variant is classified as likely benign based on ACMG/AMP sequence variant interpretation guidelines (Richards et al. 2015 PMID: 25741868, with internal and published modifications).